The following is an entry in ClinVar:

ClinVar aggregate classification (germline): Likely benign. Review status: criteria provided, multiple submitters, no conflicts (2 of 4 stars). 2 submissions from 2 submitters: Likely benign (2). Last evaluated 2024-01-18.

Conditions:
Catecholaminergic polymorphic ventricular tachycardia 1. Also called: VENTRICULAR TACHYCARDIA, CATECHOLAMINERGIC POLYMORPHIC, 1, WITH OR WITHOUT ATRIAL DYSFUNCTION AND/OR DILATED CARDIOMYOPATHY; VENTRICULAR TACHYCARDIA, STRESS-INDUCED POLYMORPHIC 1; RYR2-Related Catecholaminergic Polymorphic Ventricular Tachycardia. Identifiers: Orphanet 3286, MedGen C1631597, MONDO:0011484, OMIM 604772.
Catecholaminergic polymorphic ventricular tachycardia (CVPT). Also called: Catecholamine-induced polymorphic ventricular tachycardia. Identifiers: Orphanet 3286, MedGen C5574922, MONDO:0017990.

Allele frequency attached by ClinVar (database versions not stated): gnomAD 0.00001.
gnomAD v4.1: 3 of 1,578,612 alleles (0.00019%); highest among the groups gnomAD compares: Non-Finnish European, 0.00026%; no homozygotes.

Submissions (2):

Labcorp Genetics (formerly Invitae), Labcorp
Classification: Likely benign for Catecholaminergic polymorphic ventricular tachycardia 1. Last evaluated: 2024-01-18. Review status: criteria provided, single submitter. Criteria: Invitae Variant Classification Sherloc (09022015). Collection method: clinical testing. Allele origin: germline.

All of Us Research Program, National Institutes of Health
Classification: Likely benign for Catecholaminergic polymorphic ventricular tachycardia. Last evaluated: 2023-03-23. Review status: criteria provided, single submitter. Criteria: ACMG Guidelines, 2015. Collection method: clinical testing. Allele origin: germline. Inheritance: Autosomal dominant inheritance. Observed: 1 variant allele, 1 heterozygote.
Comment: This study involves interpretation of variants in research participants for the purpose of population health screening. Participant phenotype was not available at the time of variant classification. Additional details can be found in publication PMID: 35346344, PMCID: PMC8962531

NM_001035.3(RYR2):c.6441-9C>T

Gene: RYR2 (ryanodine receptor 2; plus strand). Cytogenetic location: 1q43.
Variant type: single nucleotide variant.
Coding change: c.6441-9C>T on transcript NM_001035.3 (MANE Select); 9 bases into the intron before coding-DNA position 6441, C replaced by T.
Molecular consequence: intron variant.
Genome position (GRCh38, 1-based): chr1:237,631,418, C>T. VCF-style: chr1-237631418-C-T. GRCh37 (hg19) VCF-style: chr1-237794718-C-T.
Identifiers: ClinVar variation 3012387 (VCV003012387.4), dbSNP rs777133390, ClinGen allele CA087126.